The following is an entry in ClinVar:

NM_018451.5(CPAP):c.3100_3103del (p.Glu1034fs)

Gene: CPAP (centrosome assembly and centriole elongation protein; minus strand). Cytogenetic location: 13q12.12.
Variant type: Microsatellite.
Coding change: c.3100_3103del on transcript NM_018451.5 (MANE Select); coding-DNA positions 3100 to 3103, 4 bases deleted (GAGA; older notation c.3100_3103delGAGA).
Protein change: p.Glu1034fs; shifts the reading frame from glutamic acid 1034.
Molecular consequence: frameshift variant. On other transcripts: non-coding transcript variant (2).
Genome position (GRCh38, 1-based): chr13:24,892,756-24,892,759, TCTC deleted on the plus strand (GAGA on the coding strand, the reverse complement: CPAP is on the minus strand); deleting any 4 consecutive bases within chr13:24,892,756-24,892,762 gives the same sequence; the c. name uses the placement nearest the transcript's 3' end. VCF-style (leftmost placement, unchanged base first): chr13-24892755-TTCTC-T. GRCh37 (hg19) VCF-style: chr13-25466893-TTCTC-T.
Other names: short protein forms E1034fs.
Identifiers: ClinVar variation 1964703 (VCV001964703.5), dbSNP rs767234515, ClinGen allele CA6919408.

ClinVar aggregate classification (germline): Pathogenic (1 of 4 stars; one submission).

Submission:

Labcorp Genetics (formerly Invitae), Labcorp
Classification: Pathogenic. Last evaluated: 2022-08-15. Review status: criteria provided, single submitter. Criteria: Invitae Variant Classification Sherloc (09022015). Collection method: clinical testing. Allele origin: germline.
Comment: This variant has not been reported in the literature in individuals affected with CENPJ-related conditions. This variant is not present in population databases (gnomAD no frequency). This sequence change creates a premature translational stop signal (p.Glu1034Thrfs*8) in the CENPJ gene. It is expected to result in an absent or disrupted protein product. Loss-of-function variants in CENPJ are known to be pathogenic (PMID: 15793586, 16900296, 20522431). For these reasons, this variant has been classified as Pathogenic.

Literature cited by the submitters: PubMed 15793586; PubMed 16900296; PubMed 20522431.